The following is an entry in ClinVar:

NM_002439.5(MSH3):c.2748T>C (p.Ala916=)

Gene: MSH3 (mutS homolog 3; plus strand). Cytogenetic location: 5q14.1.
Variant type: single nucleotide variant.
Coding change: c.2748T>C on transcript NM_002439.5 (MANE Select); coding-DNA position 2748, T replaced by C.
Protein change: p.Ala916=; no amino-acid change (alanine 916 retained).
Molecular consequence: synonymous variant.
Genome position (GRCh38, 1-based): chr5:80,813,676, T>C. VCF-style: chr5-80813676-T-C. GRCh37 (hg19) VCF-style: chr5-80109495-T-C.
Identifiers: ClinVar variation 762809 (VCV000762809.35), dbSNP rs771253300, ClinGen allele CA3328345.
Genomic context (GRCh38, chr5:80,813,676, plus strand): 5'-ACCAAACATGGGTGGAAAGAGCTCCTACATAAAACAAGTTGCATTGATTACCATCATGGC[T>C]CAGATTGGCTCCTATGTTCCTGCAGAAGAAGCGACAATTGGGATTGTGGATGGCATTTTC-3'
Protein context (NP_002430.3, residues 906-926): IKQVALITIM[Ala916=]QIGSYVPAEE

ClinVar aggregate classification (germline): Likely benign. Review status: criteria provided, multiple submitters, no conflicts (2 of 4 stars). 8 submissions from 8 submitters: Likely benign (8). Last evaluated 2026-01-19.

Conditions:
Hereditary cancer-predisposing syndrome. Also called: Hereditary Cancer Syndrome; Tumor predisposition; Hereditary neoplastic syndrome; Neoplastic Syndromes, Hereditary. Identifiers: Orphanet 140162, MedGen C0027672, MeSH D009386, MONDO:0015356.
Familial adenomatous polyposis 4 (FAP4). Also called: MSH3-related attenuated familial adenomatous polyposis. Identifiers: Orphanet 480536, MedGen C4310719, MONDO:0044300, OMIM 617100.

Allele frequency attached by ClinVar (database versions not stated): gnomAD exomes 0.00001 and 0.00002; TOPMed 0.00001; ExAC 0.00002.
gnomAD v4.1: 21 of 1,614,152 alleles (0.0013%); highest among the groups gnomAD compares: Non-Finnish European, 0.0018%; no homozygotes.

Submissions (8):

Labcorp Genetics (formerly Invitae), Labcorp
Classification: Likely benign. Last evaluated: 2026-01-19. Review status: criteria provided, single submitter. Criteria: Invitae Variant Classification Sherloc (09022015). Collection method: clinical testing. Allele origin: germline.

CeGaT Center for Human Genetics Tuebingen
Classification: Likely benign. Last evaluated: 2026-01-01. Review status: criteria provided, single submitter. Criteria: CeGaT Center For Human Genetics Tuebingen Variant Classification Criteria Version 2. Collection method: clinical testing. Allele origin: germline. Affected: yes. Observed: 3 variant alleles.
Comment: MSH3: BP4, BP7

Center for Genomic Medicine, Rigshospitalet, Copenhagen University Hospital
Classification: Likely benign. Last evaluated: 2025-03-04. Review status: criteria provided, single submitter. Criteria: ACMG Guidelines, 2015. Collection method: clinical testing. Allele origin: germline.

Department of Pathology and Laboratory Medicine, Sinai Health System
Classification: Likely benign for Familial adenomatous polyposis 4. Last evaluated: 2023-11-14. Review status: criteria provided, single submitter. Criteria: ACMG Guidelines, 2015. Collection method: clinical testing. Allele origin: germline. Affected: yes.

Blueprint Genetics
Classification: Likely benign. Last evaluated: 2022-09-22. Review status: criteria provided, single submitter. Criteria: ACMG Guidelines, 2015. Collection method: clinical testing. Allele origin: germline.

Sema4
Classification: Likely benign for Hereditary cancer-predisposing syndrome. Last evaluated: 2021-07-20. Review status: criteria provided, single submitter. Criteria: Sema4 Curation Guidelines. Collection method: curation. Allele origin: germline.

Ambry Genetics
Classification: Likely benign for Hereditary cancer-predisposing syndrome. Last evaluated: 2020-09-01. Review status: criteria provided, single submitter. Criteria: Ambry Variant Classification Scheme 2023. Collection method: clinical testing. Allele origin: germline.

Breakthrough Genomics
Classification: Likely benign. Review status: criteria provided, single submitter. Criteria: ACMG Guidelines, 2015. Collection method: not provided. Allele origin: germline. Inheritance: Autosomal recessive inheritance. Affected: yes.